The following is an entry in ClinVar:

ClinVar aggregate classification (germline): Pathogenic/Likely pathogenic. Review status: criteria provided, multiple submitters, no conflicts (2 of 4 stars). 3 submissions from 3 submitters: Pathogenic (1); Likely pathogenic (2). Last evaluated 2026-01-06.

Conditions:
Mitochondrial neurogastrointestinal encephalomyopathy. Also called: MNGIE syndrome; Thymidine phosphorylase deficiency; Mitochondrial neurogastrointestinal encephalopathy syndrome. Identifiers: Orphanet 298, MedGen C0872218, MONDO:0017575.

Submissions (3):

Natera, Inc.
Classification: Likely pathogenic for Mitochondrial neurogastrointestinal encephalomyopathy. Last evaluated: 2026-01-06. Review status: criteria provided, single submitter. Criteria: Natera Variant Classification Schema (03/2026). Collection method: clinical testing. Allele origin: germline.
Comment: The c.996_1026del variant in TYMP is a frameshift variant predicted to elongate the protein beyond the termination codon. This variant is expected to result in nonsense mediated decay, truncation, or a dysfunctional protein product. This variant is rare in the general population with a frequency below the threshold expected for the associated phenotype(s). Given the available evidence, this variant is classified as Likely Pathogenic.

Labcorp Genetics (formerly Invitae), Labcorp
Classification: Pathogenic. Last evaluated: 2024-03-01. Review status: criteria provided, single submitter. Criteria: Invitae Variant Classification Sherloc (09022015). Collection method: clinical testing. Allele origin: germline.
Comment: This sequence change results in a frameshift in the TYMP gene (p.Ala333Serfs*?). While this is not anticipated to result in nonsense mediated decay, it is expected to disrupt amino acid(s) of the TYMP protein and extend the protein by additional amino acid residues. This variant is not present in population databases (gnomAD no frequency). This variant has not been reported in the literature in individuals affected with TYMP-related conditions. ClinVar contains an entry for this variant (Variation ID: 870753). This variant disrupts a region of the TYMP protein in which other variant(s) (p.Leu347Pro) have been determined to be pathogenic (PMID: 23590577; Invitae). This suggests that this is a clinically significant region of the protein, and that variants that disrupt it are likely to be disease-causing. For these reasons, this variant has been classified as Pathogenic.

CeGaT Center for Human Genetics Tuebingen
Classification: Likely pathogenic. Last evaluated: 2019-09-01. Review status: criteria provided, single submitter. Criteria: CeGaT Center For Human Genetics Tuebingen Variant Classification Criteria Version 2. Collection method: clinical testing. Allele origin: germline. Affected: yes. Observed: 1 variant allele.

Literature cited by the submitters: PubMed 23590577 (cited by Labcorp Genetics (formerly Invitae), Labcorp).

NM_001953.5(TYMP):c.996_1026del (p.Ala333fs)

Genes: SCO2 (synthesis of cytochrome C oxidase 2; minus strand), TYMP (thymidine phosphorylase; minus strand), LOC130067862 (ATAC-STARR-seq lymphoblastoid silent region 13986; plus strand). Cytogenetic location: 22q13.33.
Variant type: Deletion.
Coding change: c.996_1026del on transcript NM_001953.5 (MANE Select); coding-DNA positions 996 to 1026, 31 bases deleted.
Protein change: p.Ala333fs; shifts the reading frame from alanine 333.
Molecular consequence: frameshift variant. On other transcripts: 5 prime UTR variant (1).
Genome position (GRCh38, 1-based): chr22:50,526,379-50,526,409, 31 bases deleted; deleting any 31 consecutive bases within chr22:50,526,379-50,526,416 gives the same sequence; the c. name uses the placement nearest the transcript's 3' end. GRCh37 (hg19): chr22:50,964,815-50,964,845.
Other names: c.996_1026del, p.Ala333fs (NM_001113755.3, NM_001113756.3, NM_001257988.1 and 1 more transcripts); c.-177_-147del (NM_001169109.2); short protein forms A333fs.
Identifiers: ClinVar variation 870753 (VCV000870753.41), dbSNP rs2069377278, ClinGen allele CA1139667174.
Genomic context (GRCh38, chr22:50,526,378, plus strand): 5'-CCGAGCACAGGGCTCGGGCCAGACCGGGATCCACGCCCTGCGCCGCCAGCATCCGCTCGA[AGCGGCCAAGGGCCGAGCCGTCGTCCAGCGCC>A]GCGGCCACCCGGGCAGCGCCCTGGGCCTGAGTCCCCGCGTGTCCGCTGAGCCAGAGCAGG-3'